The following is an entry in ClinVar:

NM_001145809.2(MYH14):c.1426C>T (p.Arg476Cys)

Gene: MYH14 (myosin heavy chain 14; plus strand). Cytogenetic location: 19q13.33.
Variant type: single nucleotide variant.
Coding change: c.1426C>T on transcript NM_001145809.2 (MANE Select); coding-DNA position 1426, C replaced by T.
Protein change: p.Arg476Cys; replaces arginine 476 with cysteine.
Molecular consequence: missense variant.
Genome position (GRCh38, 1-based): chr19:50,249,083, C>T. VCF-style: chr19-50249083-C-T. GRCh37 (hg19) VCF-style: chr19-50752340-C-T.
Other names: c.1426C>T, p.Arg476Cys (NM_001077186.2); c.1402C>T, p.Arg468Cys (NM_024729.4); short protein forms R468C, R476C.
Identifiers: ClinVar variation 4750494 (VCV004750494.2).

ClinVar aggregate classification (germline): Uncertain significance. Review status: criteria provided, multiple submitters, no conflicts (2 of 4 stars). 2 submissions from 2 submitters: Uncertain significance (2). Last evaluated 2025-05-27.

gnomAD v4.1: 11 of 1,604,410 alleles (0.00069%); highest among the groups gnomAD compares: Middle Eastern, 0.016%; no homozygotes.

Submissions (2):

Labcorp Genetics (formerly Invitae), Labcorp
Classification: Uncertain significance. Last evaluated: 2025-05-27. Review status: criteria provided, single submitter. Criteria: Invitae Variant Classification Sherloc (09022015). Collection method: clinical testing. Allele origin: germline.
Comment: This sequence change replaces arginine, which is basic and polar, with cysteine, which is neutral and slightly polar, at codon 468 of the MYH14 protein (p.Arg468Cys). This variant is present in population databases (rs755662126, gnomAD 0.01%). This variant has not been reported in the literature in individuals affected with MYH14-related conditions. Invitae Evidence Modeling of protein sequence and biophysical properties (such as structural, functional, and spatial information, amino acid conservation, physicochemical variation, residue mobility, and thermodynamic stability) indicates that this missense variant is expected to disrupt MYH14 protein function with a positive predictive value of 80%. In summary, the available evidence is currently insufficient to determine the role of this variant in disease. Therefore, it has been classified as a Variant of Uncertain Significance.

Blueprint Genetics
Classification: Uncertain significance. Last evaluated: 2021-08-31. Review status: criteria provided, single submitter. Criteria: ACMG Guidelines, 2015. Collection method: clinical testing. Allele origin: germline.